The following is an entry in ClinVar:

NM_194279.4(ISCA2):c.63G>T (p.Pro21=)

Genes: ISCA2 (iron-sulfur cluster assembly 2; plus strand), LOC130056095 (ATAC-STARR-seq lymphoblastoid active region 8728; plus strand). Cytogenetic location: 14q24.3.
Variant type: single nucleotide variant.
Coding change: c.63G>T on transcript NM_194279.4 (MANE Select); coding-DNA position 63, G replaced by T.
Protein change: p.Pro21=; no amino-acid change (proline 21 retained).
Molecular consequence: synonymous variant.
Genome position (GRCh38, 1-based): chr14:74,493,837, G>T. VCF-style: chr14-74493837-G-T. GRCh37 (hg19) VCF-style: chr14-74960540-G-T.
Other names: c.63G>T, p.Pro21= (NM_001272007.2).
Identifiers: ClinVar variation 4735497 (VCV004735497.1).

ClinVar aggregate classification (germline): Uncertain significance (1 of 4 stars; one submission).

Submission:

Labcorp Genetics (formerly Invitae), Labcorp
Classification: Uncertain significance. Last evaluated: 2026-01-22. Review status: criteria provided, single submitter. Criteria: Invitae Variant Classification Sherloc (09022015). Collection method: clinical testing. Allele origin: germline.
Comment: This sequence change affects codon 21 of the ISCA2 mRNA. It is a 'silent' change, meaning that it does not change the encoded amino acid sequence of the ISCA2 protein. This variant is not present in population databases (gnomAD no frequency). This variant has not been reported in the literature in individuals affected with ISCA2-related conditions. Algorithms developed to predict the effect of sequence changes on RNA splicing suggest that this variant may disrupt the consensus splice site. In summary, the available evidence is currently insufficient to determine the role of this variant in disease. Therefore, it has been classified as a Variant of Uncertain Significance.